The following is an entry in ClinVar:

ClinVar aggregate classification (germline): Uncertain significance. Review status: criteria provided, multiple submitters, no conflicts (2 of 4 stars). 3 submissions from 3 submitters: Uncertain significance (3). Last evaluated 2024-10-17.

Conditions:
Landau-Kleffner syndrome (FESD). Also called: APHASIA, ACQUIRED, WITH EPILEPSY; EPILEPSY, FOCAL, WITH SPEECH DISORDER AND WITH OR WITHOUT MENTAL RETARDATION. Identifiers: Orphanet 1945, Orphanet 725, Orphanet 98818, MedGen C0282512, MONDO:0009509, OMIM 245570.

Allele frequency attached by ClinVar (database versions not stated): TOPMed 0.00001; ExAC 0.00002; gnomAD exomes 0.00001.
gnomAD v4.1: 3 of 1,614,026 alleles (0.00019%); highest among the groups gnomAD compares: Admixed American, 0.0033%; no homozygotes.

Submissions (3):

GeneDx
Classification: Uncertain significance. Last evaluated: 2024-10-17. Review status: criteria provided, single submitter. Criteria: GeneDx Variant Classification Process June 2021. Collection method: clinical testing. Allele origin: germline. Affected: yes.
Comment: In silico analysis indicates that this missense variant does not alter protein structure/function; Has not been previously published as pathogenic or benign to our knowledge; This variant is associated with the following publications: (PMID: 27839871)

Labcorp Genetics (formerly Invitae), Labcorp
Classification: Uncertain significance for Landau-Kleffner syndrome. Last evaluated: 2024-09-17. Review status: criteria provided, single submitter. Criteria: Invitae Variant Classification Sherloc (09022015). Collection method: clinical testing. Allele origin: germline.
Comment: This sequence change replaces glutamic acid, which is acidic and polar, with glutamine, which is neutral and polar, at codon 427 of the GRIN2A protein (p.Glu427Gln). This variant is present in population databases (rs560839364, gnomAD 0.006%). This variant has not been reported in the literature in individuals affected with GRIN2A-related conditions. ClinVar contains an entry for this variant (Variation ID: 1380969). Invitae Evidence Modeling of protein sequence and biophysical properties (such as structural, functional, and spatial information, amino acid conservation, physicochemical variation, residue mobility, and thermodynamic stability) has been performed for this missense variant. However, the output from this modeling did not meet the statistical confidence thresholds required to predict the impact of this variant on GRIN2A protein function. In summary, the available evidence is currently insufficient to determine the role of this variant in disease. Therefore, it has been classified as a Variant of Uncertain Significance.

Fulgent Genetics
Classification: Uncertain significance for Landau-Kleffner syndrome. Last evaluated: 2021-10-20. Review status: criteria provided, single submitter. Criteria: ACMG Guidelines, 2015. Collection method: clinical testing. Allele origin: unknown.

NM_001134407.3(GRIN2A):c.1279G>C (p.Glu427Gln)

Gene: GRIN2A (glutamate ionotropic receptor NMDA type subunit 2A; minus strand). Cytogenetic location: 16p13.2.
Variant type: single nucleotide variant.
Coding change: c.1279G>C on transcript NM_001134407.3 (MANE Select); coding-DNA position 1279, G replaced by C.
Protein change: p.Glu427Gln; replaces glutamic acid 427 with glutamine.
Molecular consequence: missense variant.
Genome position (GRCh38, 1-based): chr16:9,849,805, C>G on the plus strand (G>C on the coding strand, the complement: GRIN2A is on the minus strand). VCF-style: chr16-9849805-C-G. GRCh37 (hg19) VCF-style: chr16-9943662-C-G.
Other names: c.1279G>C, p.Glu427Gln (NM_000833.5, NM_001134408.2); c.1279G>C (NM_000833.3); short protein forms E427Q.
Identifiers: ClinVar variation 1380969 (VCV001380969.8), dbSNP rs560839364, ClinGen allele CA7896766.